The following is an entry in ClinVar:

NM_001875.5(CPS1):c.4382T>A (p.Ile1461Asn)

Gene: CPS1 (carbamoyl-phosphate synthase 1; plus strand). Cytogenetic location: 2q34.
Variant type: single nucleotide variant.
Coding change: c.4382T>A on transcript NM_001875.5 (MANE Select); coding-DNA position 4382, T replaced by A.
Protein change: p.Ile1461Asn; replaces isoleucine 1461 with asparagine.
Molecular consequence: missense variant. On other transcripts: non-coding transcript variant (2).
Genome position (GRCh38, 1-based): chr2:210,677,114, T>A. VCF-style: chr2-210677114-T-A. GRCh37 (hg19) VCF-style: chr2-211541838-T-A.
Other names: c.4382T>A, p.Ile1461Asn (NM_001122633.3, NM_001369257.1); c.4415T>A, p.Ile1472Asn (NM_001369256.1); c.4382T>A (LRG_336t1); short protein forms I1461N, I1472N.
Identifiers: ClinVar variation 576845 (VCV000576845.8), dbSNP rs1559142189, ClinGen allele CA350441106.

ClinVar aggregate classification (germline): Uncertain significance (1 of 4 stars; one submission).

Conditions:
Congenital hyperammonemia, type I. Also called: Carbamoyl-phosphate synthase I deficiency; Carbamoyl phosphate synthetase I deficiency disease; CPS I DEFICIENCY; Carbamoyl phosphate synthetase 1 deficiency; Hyperammonemia due to carbamoyl phosphate synthetase 1 deficiency; CPS 1 deficiency. Identifiers: Orphanet 147, MedGen C4082171, MONDO:0009376, OMIM 237300.

Submission:

Labcorp Genetics (formerly Invitae), Labcorp
Classification: Uncertain significance for Congenital hyperammonemia, type I. Last evaluated: 2018-04-27. Review status: criteria provided, single submitter. Criteria: Invitae Variant Classification Sherloc (09022015). Collection method: clinical testing. Allele origin: germline.
Comment: In summary, the available evidence is currently insufficient to determine the role of this variant in disease. Therefore, it has been classified as a Variant of Uncertain Significance. Algorithms developed to predict the effect of missense changes on protein structure and function do not agree on the potential impact of this missense change (SIFT: "Deleterious"; PolyPhen-2: "Possibly Damaging"; Align-GVGD: "Class C0"). This variant is not present in population databases (ExAC no frequency). This sequence change replaces isoleucine with asparagine at codon 1461 of the CPS1 protein (p.Ile1461Asn). The isoleucine residue is moderately conserved and there is a large physicochemical difference between isoleucine and asparagine.